The following is an entry in ClinVar:

ClinVar aggregate classification (germline): Conflicting classifications of pathogenicity. Review status: criteria provided, conflicting classifications (1 of 4 stars). 8 submissions from 8 submitters: Uncertain significance (2); Benign (1); Likely benign (4). 1 of the submissions does not count toward it. Last evaluated 2025-08-26.

Conditions:
Inborn genetic diseases. Identifiers: MedGen C0950123, MeSH D030342.
Intellectual developmental disorder with autism and macrocephaly. Also called: Autism, susceptibility to, 18; CHD8-Related Neurodevelopmental Disorder with Overgrowth. Identifiers: Orphanet 642675, MedGen C3554373, MONDO:0014017, OMIM 615032.
CHD8-related disorder. Also called: CHD8-related condition; CHD8-related disorders.

Allele frequency attached by ClinVar (database versions not stated): ESP Exome Variant Server 0.00008; gnomAD exomes 0.00031 and 0.00056; ExAC 0.00036; gnomAD 0.00036 and 0.00038; TOPMed 0.00042; 1000 Genomes Project 0.00060; 1000 Genomes Project 30x 0.00062.
gnomAD v4.1: 876 of 1,597,362 alleles (0.055%); highest among the groups gnomAD compares: Admixed American, 0.073%; no homozygotes.

Submissions (8):

Labcorp Genetics (formerly Invitae), Labcorp
Classification: Likely benign. Last evaluated: 2025-08-26. Review status: criteria provided, single submitter. Criteria: Invitae Variant Classification Sherloc (09022015). Collection method: clinical testing. Allele origin: germline.

Blueprint Genetics
Classification: Likely benign. Last evaluated: 2024-10-18. Review status: criteria provided, single submitter. Criteria: ACMG Guidelines, 2015. Collection method: clinical testing. Allele origin: germline.

CeGaT Center for Human Genetics Tuebingen
Classification: Likely benign. Last evaluated: 2023-04-01. Review status: criteria provided, single submitter. Criteria: CeGaT Center For Human Genetics Tuebingen Variant Classification Criteria Version 2. Collection method: clinical testing. Allele origin: germline. Affected: yes. Observed: 1 variant allele.
Comment: CHD8: PP2, PP3, BS2

Ambry Genetics
Classification: Likely benign for Inborn genetic diseases. Last evaluated: 2021-05-17. Review status: criteria provided, single submitter. Criteria: Ambry Variant Classification Scheme 2023. Collection method: clinical testing. Allele origin: germline.

GeneDx
Classification: Benign. Last evaluated: 2019-08-16. Review status: criteria provided, single submitter. Criteria: GeneDx Variant Classification Process June 2021. Collection method: clinical testing. Allele origin: germline. Affected: yes.

Fulgent Genetics
Classification: Uncertain significance for Intellectual developmental disorder with autism and macrocephaly. Last evaluated: 2018-10-31. Review status: criteria provided, single submitter. Criteria: ACMG Guidelines, 2015. Collection method: clinical testing. Allele origin: unknown.

Eurofins Ntd Llc (ga)
Classification: Uncertain significance. Last evaluated: 2016-07-26. Review status: criteria provided, single submitter. Criteria: EGL Classification Definitions 2015. Collection method: clinical testing. Allele origin: germline. Observed: 2 variant alleles, 2 heterozygotes.

PreventionGenetics, part of Exact Sciences
Classification: Likely benign for CHD8-related condition. Last evaluated: 2022-06-28. Review status: no assertion criteria provided. Collection method: clinical testing. Allele origin: germline. Not counted in ClinVar's aggregate classification.
Comment: This variant is classified as likely benign based on ACMG/AMP sequence variant interpretation guidelines (Richards et al. 2015 PMID: 25741868, with internal and published modifications).

NM_001170629.2(CHD8):c.5402G>A (p.Arg1801His)

Gene: CHD8 (chromodomain helicase DNA binding protein 8; minus strand). Cytogenetic location: 14q11.2.
Variant type: single nucleotide variant.
Coding change: c.5402G>A on transcript NM_001170629.2 (MANE Select); coding-DNA position 5402, G replaced by A.
Protein change: p.Arg1801His; replaces arginine 1801 with histidine.
Molecular consequence: missense variant.
Genome position (GRCh38, 1-based): chr14:21,394,474, C>T on the plus strand (G>A on the coding strand, the complement: CHD8 is on the minus strand). VCF-style: chr14-21394474-C-T. GRCh37 (hg19) VCF-style: chr14-21862633-C-T.
Other names: c.4565G>A, p.Arg1522His (NM_020920.4); short protein forms R1522H, R1801H.
Identifiers: ClinVar variation 289377 (VCV000289377.43), dbSNP rs201604061, ClinGen allele CA7090960.
Genomic context (GRCh38, chr14:21,394,474, plus strand): 5'-GTGTCAGGGTCATATTCCACACCAAACGTAGACACCACTCGATAAAAATCAGTTTGTTCA[C>T]GCCTTGTCCATCTACAAAAGGAAAAGTAGGGCAACAATAATCAGAAGAACACATCAGAAG-3'
Protein context (NP_001164100.1, residues 1791-1811): RREKQQRWTR[Arg1801His]EQTDFYRVVS